The following is an entry in ClinVar:

ClinVar aggregate classification (germline): Pathogenic (1 of 4 stars; one submission).

Conditions:
Dyskeratosis congenita. Identifiers: Orphanet 1775, MedGen C0265965, MONDO:0015780.

Submission:

Labcorp Genetics (formerly Invitae), Labcorp
Classification: Pathogenic for Dyskeratosis congenita. Last evaluated: 2024-04-16. Review status: criteria provided, single submitter. Criteria: Invitae Variant Classification Sherloc (09022015). Collection method: clinical testing. Allele origin: germline.
Comment: This sequence change creates a premature translational stop signal (p.Arg646Thrfs*51) in the CTC1 gene. It is expected to result in an absent or disrupted protein product. Loss-of-function variants in CTC1 are known to be pathogenic (PMID: 22267198, 22387016). This variant is not present in population databases (gnomAD no frequency). This variant has not been reported in the literature in individuals affected with CTC1-related conditions. ClinVar contains an entry for this variant (Variation ID: 2091505). For these reasons, this variant has been classified as Pathogenic.

Literature cited by the submitters: PubMed 22267198; PubMed 22387016.

NM_025099.6(CTC1):c.1934dup (p.Arg646fs)

Gene: CTC1 (CST telomere replication complex component 1; minus strand). Cytogenetic location: 17p13.1.
Variant type: Duplication.
Coding change: c.1934dup on transcript NM_025099.6 (MANE Select); coding-DNA position 1934, one base duplicated (C; older notation c.1934dupC).
Protein change: p.Arg646fs; shifts the reading frame from arginine 646.
Molecular consequence: frameshift variant. On other transcripts: non-coding transcript variant (1).
Genome position (GRCh38, 1-based): chr17:8,232,917, G duplicated on the plus strand (C on the coding strand, the reverse complement: CTC1 is on the minus strand); the first of 3 consecutive G bases (chr17:8,232,917-8,232,919); duplicating any one gives the same sequence. VCF-style (leftmost placement, unchanged base first): chr17-8232916-T-TG. GRCh37 (hg19) VCF-style: chr17-8136234-T-TG.
Other names: c.1932dup, p.Arg646Thrfs (NM_001411067.1); short protein forms R646fs.
Identifiers: ClinVar variation 2091505 (VCV002091505.4), dbSNP rs2507907005, ClinGen allele CA2580094969.